The following is an entry in ClinVar:

ClinVar aggregate classification (germline): Uncertain significance (1 of 4 stars; one submission).

Submission:

Labcorp Genetics (formerly Invitae), Labcorp
Classification: Uncertain significance. Last evaluated: 2024-04-13. Review status: criteria provided, single submitter. Criteria: Invitae Variant Classification Sherloc (09022015). Collection method: clinical testing. Allele origin: germline.
Comment: This sequence change replaces serine, which is neutral and polar, with leucine, which is neutral and non-polar, at codon 85 of the REST protein (p.Ser85Leu). This variant is not present in population databases (gnomAD no frequency). This variant has not been reported in the literature in individuals affected with REST-related conditions. An algorithm developed to predict the effect of missense changes on protein structure and function (PolyPhen-2) suggests that this variant is likely to be disruptive. In summary, the available evidence is currently insufficient to determine the role of this variant in disease. Therefore, it has been classified as a Variant of Uncertain Significance.

NM_005612.5(REST):c.254C>T (p.Ser85Leu)

Gene: REST (RE1 silencing transcription factor; plus strand). Cytogenetic location: 4q12.
Variant type: single nucleotide variant.
Coding change: c.254C>T on transcript NM_005612.5 (MANE Select); coding-DNA position 254, C replaced by T.
Protein change: p.Ser85Leu; replaces serine 85 with leucine.
Molecular consequence: missense variant.
Genome position (GRCh38, 1-based): chr4:56,910,892, C>T. VCF-style: chr4-56910892-C-T. GRCh37 (hg19) VCF-style: chr4-57777058-C-T.
Other names: c.254C>T, p.Ser85Leu (NM_001193508.2, NM_001363453.3); short protein forms S85L.
Identifiers: ClinVar variation 3611764 (VCV003611764.2).